The following is an entry in ClinVar:

ClinVar aggregate classification (germline): Uncertain significance (1 of 4 stars; one submission).

Conditions:
Neurodevelopmental disorder with hypotonia, impaired speech, and behavioral abnormalities (NEDHISB). Also called: GNAI1-Related Neurodevelopmental Disorder. Identifiers: MedGen C5676975, MONDO:0859243, OMIM 619854.

Submission:

Institute of Human Genetics, University of Leipzig Medical Center
Classification: Uncertain significance for Neurodevelopmental disorder with hypotonia, impaired speech, and behavioral abnormalities. Last evaluated: 2023-12-18. Review status: criteria provided, single submitter. Criteria: ACMG Guidelines, 2015. Collection method: clinical testing. Allele origin: unknown. Inheritance: Autosomal dominant inheritance. Affected: yes.
Comment: Criteria applied: PM1_SUP,PM2_SUP,PP3

NM_002069.6(GNAI1):c.500A>G (p.Tyr167Cys)

Gene: GNAI1 (G protein subunit alpha i1; plus strand). Cytogenetic location: 7q21.11.
Variant type: single nucleotide variant.
Coding change: c.500A>G on transcript NM_002069.6 (MANE Select); coding-DNA position 500, A replaced by G.
Protein change: p.Tyr167Cys; replaces tyrosine 167 with cysteine.
Molecular consequence: missense variant.
Genome position (GRCh38, 1-based): chr7:80,203,742, A>G. VCF-style: chr7-80203742-A-G. GRCh37 (hg19) VCF-style: chr7-79833058-A-G.
Other names: c.344A>G, p.Tyr115Cys (NM_001256414.2); short protein forms Y115C, Y167C.
Identifiers: ClinVar variation 2691889 (VCV002691889.2), dbSNP rs2484442905, ClinGen allele CA368012315.